The following is an entry in ClinVar:

ClinVar aggregate classification (germline): Uncertain significance. Review status: criteria provided, multiple submitters, no conflicts (2 of 4 stars). 2 submissions from 2 submitters: Uncertain significance (2). Last evaluated 2025-09-22.

Conditions:
Inborn genetic diseases. Identifiers: MedGen C0950123, MeSH D030342.

Allele frequency attached by ClinVar (database versions not stated): ExAC 0.00001; gnomAD exomes 0.00001; gnomAD 0.00005 and 0.00006; TOPMed 0.00005; ESP Exome Variant Server 0.00015.
gnomAD v4.1: 23 of 1,557,942 alleles (0.0015%); highest among the groups gnomAD compares: African/African-American, 0.014%; no homozygotes.

Submissions (2):

Labcorp Genetics (formerly Invitae), Labcorp
Classification: Uncertain significance. Last evaluated: 2025-09-22. Review status: criteria provided, single submitter. Criteria: Invitae Variant Classification Sherloc (09022015). Collection method: clinical testing. Allele origin: germline.
Comment: This sequence change replaces asparagine, which is neutral and polar, with serine, which is neutral and polar, at codon 233 of the DARS protein (p.Asn233Ser). This variant is present in population databases (rs139872602, gnomAD 0.01%). This variant has not been reported in the literature in individuals affected with DARS-related conditions. ClinVar contains an entry for this variant (Variation ID: 1682557). Invitae Evidence Modeling of protein sequence and biophysical properties (such as structural, functional, and spatial information, amino acid conservation, physicochemical variation, residue mobility, and thermodynamic stability) indicates that this missense variant is not expected to disrupt DARS protein function with a negative predictive value of 80%. In summary, the available evidence is currently insufficient to determine the role of this variant in disease. Therefore, it has been classified as a Variant of Uncertain Significance.

Ambry Genetics
Classification: Uncertain significance for Inborn genetic diseases. Last evaluated: 2024-03-07. Review status: criteria provided, single submitter. Criteria: Ambry Variant Classification Scheme 2023. Collection method: clinical testing. Allele origin: germline.

NM_001349.4(DARS1):c.698A>G (p.Asn233Ser)

Gene: DARS1 (aspartyl-tRNA synthetase 1; minus strand). Cytogenetic location: 2q21.3.
Variant type: single nucleotide variant.
Coding change: c.698A>G on transcript NM_001349.4 (MANE Select); coding-DNA position 698, A replaced by G.
Protein change: p.Asn233Ser; replaces asparagine 233 with serine.
Molecular consequence: missense variant.
Genome position (GRCh38, 1-based): chr2:135,922,897, T>C on the plus strand (A>G on the coding strand, the complement: DARS1 is on the minus strand). VCF-style: chr2-135922897-T-C. GRCh37 (hg19) VCF-style: chr2-136680467-T-C.
Other names: c.698A>G (NM_001349.2); c.398A>G, p.Asn133Ser (NM_001293312.1); short protein forms N133S, N233S.
Identifiers: ClinVar variation 1682557 (VCV001682557.5), dbSNP rs139872602, ClinGen allele CA1889700.